The following is an entry in ClinVar:

NM_001267550.2(TTN):c.85328T>A (p.Val28443Asp)

Genes: TTN-AS1 (TTN antisense RNA 1; plus strand), TTN (titin; minus strand). Cytogenetic location: 2q31.2.
Variant type: single nucleotide variant.
Coding change: c.85328T>A on transcript NM_001267550.2 (MANE Select); coding-DNA position 85328, T replaced by A.
Protein change: p.Val28443Asp; replaces valine 28443 with aspartic acid.
Molecular consequence: missense variant.
Genome position (GRCh38, 1-based): chr2:178,560,804, A>T on the plus strand (T>A on the coding strand, the complement: TTN is on the minus strand). VCF-style: chr2-178560804-A-T. GRCh37 (hg19) VCF-style: chr2-179425531-A-T.
Other names: c.80405T>A, p.Val26802Asp (NM_001256850.1); c.58133T>A, p.Val19378Asp (NM_003319.4); c.77624T>A, p.Val25875Asp (NM_133378.4); c.58508T>A, p.Val19503Asp (NM_133432.3); c.58709T>A, p.Val19570Asp (NM_133437.4); short protein forms V19378D, V26802D, V28443D, V19570D, V25875D, V19503D.
Identifiers: ClinVar variation 1029097 (VCV001029097.1), dbSNP rs1703365236, ClinGen allele CA349554410.
Genomic context (GRCh38, chr2:178,560,804, plus strand): 5'-AGGCCATTTATTTCAAGTGGTCCTGCTGGTGGACCAGGCTTATCAAGTACTTTGCAATTA[A>T]CGGCCACAGACCGAGTGCCGGCAACATTCTTCAGTGTTAGTACATATTGCCCAGTGTCTC-3'
Protein context (NP_001254479.2, residues 28433-28453): KNVAGTRSVA[Val28443Asp]NCKVLDKPGP

ClinVar aggregate classification (germline): Uncertain significance (1 of 4 stars; one submission).

Conditions:
Early-onset myopathy with fatal cardiomyopathy (CMYO5). Also called: CONGENITAL MYOPATHY 5 WITH CARDIOMYOPATHY; Salih Myopathy. Identifiers: Orphanet 289377, MedGen C2673677, MONDO:0012714, OMIM 611705. Disease mechanism: loss of function.

Allele frequency attached by ClinVar (database versions not stated): gnomAD 0.00001; TOPMed 0.00002.
gnomAD v4.1: 3 of 1,613,514 alleles (0.00019%); highest among the groups gnomAD compares: African/African-American, 0.0013%; no homozygotes.

Submission:

Baylor Genetics
Classification: Uncertain significance for Early-onset myopathy with fatal cardiomyopathy. Last evaluated: 2019-10-29. Review status: criteria provided, single submitter. Criteria: ACMG Guidelines, 2015. Collection method: clinical testing. Allele origin: unknown. Affected: yes.
Comment: This variant was determined to be of uncertain significance according to ACMG Guidelines, 2015 [PMID:25741868].